The following is an entry in ClinVar:

NM_001281740.3(FHOD3):c.2534-82G>A

Gene: FHOD3 (formin homology 2 domain containing 3; plus strand). Cytogenetic location: 18q12.2.
Variant type: single nucleotide variant.
Coding change: c.2534-82G>A on transcript NM_001281740.3 (MANE Select); 82 bases into the intron before coding-DNA position 2534, G replaced by A.
Molecular consequence: intron variant.
Genome position (GRCh38, 1-based): chr18:36,717,750, G>A. VCF-style: chr18-36717750-G-A. GRCh37 (hg19) VCF-style: chr18-34297713-G-A.
Other names: c.2009-82G>A (NM_025135.5); c.1958-82G>A (NM_001281739.3).
Identifiers: ClinVar variation 1707321 (VCV001707321.2), dbSNP rs79570519, ClinGen allele CA298653766.

ClinVar aggregate classification (germline): Likely benign (1 of 4 stars; one submission).

Allele frequency attached by ClinVar (database versions not stated): gnomAD exomes 0.00127; 1000 Genomes Project 0.01478; gnomAD 0.01481; 1000 Genomes Project 30x 0.01546.
gnomAD v4.1: 4,028 of 1,492,144 alleles (0.27%); highest among the groups gnomAD compares: African/African-American, 5.1%; 95 homozygotes.

Submission:

GeneDx
Classification: Likely benign. Last evaluated: 2021-05-27. Review status: criteria provided, single submitter. Criteria: GeneDx Variant Classification Process June 2021. Collection method: clinical testing. Allele origin: germline. Affected: yes.
Comment: See Variant Classification Assertion Criteria.